The following is an entry in ClinVar:

NM_004304.5(ALK):c.3938+5dup

Gene: ALK (ALK receptor tyrosine kinase; minus strand). Cytogenetic location: 2p23.2.
Variant type: Duplication.
Coding change: c.3938+5dup on transcript NM_004304.5 (MANE Select); 5 bases into the intron after coding-DNA position 3938, one base duplicated (G; older notation c.3938+5dupG).
Molecular consequence: intron variant.
Genome position (GRCh38, 1-based): chr2:29,207,166, C duplicated on the plus strand (G on the coding strand, the reverse complement: ALK is on the minus strand). VCF-style (leftmost placement, unchanged base first): chr2-29207165-A-AC. GRCh37 (hg19) VCF-style: chr2-29430031-A-AC.
Other names: c.734+5dup (NM_001353765.2).
Identifiers: ClinVar variation 639134 (VCV000639134.9), dbSNP rs1573098880, ClinGen allele CA915943708.

ClinVar aggregate classification (germline): Uncertain significance. Review status: criteria provided, multiple submitters, no conflicts (2 of 4 stars). 2 submissions from 2 submitters: Uncertain significance (2). Last evaluated 2025-11-25.

Conditions:
Neuroblastoma, susceptibility to, 3. Also called: ALK-Related Neuroblastic Tumor Susceptibility. Identifiers: Orphanet 635, MedGen C2751681, MONDO:0013083, OMIM 613014.

Allele frequency attached by ClinVar (database versions not stated): gnomAD exomes below 0.00001; TOPMed below 0.00001.

Submissions (2):

Labcorp Genetics (formerly Invitae), Labcorp
Classification: Uncertain significance for Neuroblastoma, susceptibility to, 3. Last evaluated: 2025-11-25. Review status: criteria provided, single submitter. Criteria: Invitae Variant Classification Sherloc (09022015). Collection method: clinical testing. Allele origin: germline.
Comment: This sequence change falls in intron 26 of the ALK gene. It does not directly change the encoded amino acid sequence of the ALK protein. It affects a nucleotide within the consensus splice site. This variant is not present in population databases (gnomAD no frequency). This variant has not been reported in the literature in individuals affected with ALK-related conditions. ClinVar contains an entry for this variant (Variation ID: 639134). Variants that disrupt the consensus splice site are a relatively common cause of aberrant splicing (PMID: 17576681, 9536098). Algorithms developed to predict the effect of sequence changes on RNA splicing suggest that this variant may disrupt the consensus splice site. In summary, the available evidence is currently insufficient to determine the role of this variant in disease. Therefore, it has been classified as a Variant of Uncertain Significance.

GeneDx
Classification: Uncertain significance. Last evaluated: 2023-12-28. Review status: criteria provided, single submitter. Criteria: GeneDx Variant Classification Process June 2021. Collection method: clinical testing. Allele origin: germline. Affected: yes.
Comment: Not observed at significant frequency in large population cohorts (gnomAD); In silico analysis supports that this variant does not alter splicing; Has not been previously published as pathogenic or benign to our knowledge

Literature cited by the submitters: PubMed 17576681 (cited by Labcorp Genetics (formerly Invitae), Labcorp); PubMed 9536098 (cited by Labcorp Genetics (formerly Invitae), Labcorp).